The following is an entry in ClinVar:

ClinVar aggregate classification (germline): Likely pathogenic (1 of 4 stars; one submission).

Conditions:
3-methylcrotonyl-CoA carboxylase 2 deficiency. Also called: METHYLCROTONYLGLYCINURIA, TYPE II; 3 alpha methylcrotonyl-CoA carboxylase 2 deficiency; 3 alpha methylcrotonylglycinuria 2; MCC 2 deficiency; Methylcrotonylglycinuria type 2. Identifiers: Orphanet 6, MedGen C1859499, MONDO:0008862, OMIM 210210.

Submission:

Natera, Inc.
Classification: Likely pathogenic for 3-methylcrotonyl-CoA carboxylase 2 deficiency. Last evaluated: 2025-03-10. Review status: criteria provided, single submitter. Criteria: Natera Variant Classification Schema (03/2026). Collection method: clinical testing. Allele origin: germline.
Comment: The c.115_129+27del variant in MCCC2 is a deletion affecting a canonical splice donor site and part of an exon. This variant is expected to result in nonsense mediated decay, truncation, or a dysfunctional protein product. This variant is rare in the general population with a frequency below the threshold expected for the associated phenotype(s). Given the available evidence, this variant is classified as Likely Pathogenic.

NM_022132.5(MCCC2):c.115_129+27del

Gene: MCCC2 (methylcrotonyl-CoA carboxylase subunit 2; plus strand). Cytogenetic location: 5q13.2.
Variant type: Deletion.
Coding change: c.115_129+27del on transcript NM_022132.5 (MANE Select); coding-DNA position 115 through 27 bases into the intron after coding-DNA position 129, 42 bases deleted.
Molecular consequence: splice donor variant.
Genome position (GRCh38, 1-based): chr5:71,587,540-71,587,581, 42 bases deleted; deleting any 42 consecutive bases within chr5:71,587,537-71,587,581 gives the same sequence; the c. name uses the placement nearest the transcript's 3' end. GRCh37 (hg19): chr5:70,883,367-70,883,408.
Other names: c.115_129+27del (NM_001363147.1).
Identifiers: ClinVar variation 4057538 (VCV004057538.2).